The following is an entry in ClinVar:

NM_198578.4(LRRK2):c.6250G>A (p.Asp2084Asn)

Gene: LRRK2 (leucine rich repeat kinase 2; plus strand). Cytogenetic location: 12q12.
Variant type: single nucleotide variant.
Coding change: c.6250G>A on transcript NM_198578.4 (MANE Select); coding-DNA position 6250, G replaced by A.
Protein change: p.Asp2084Asn; replaces aspartic acid 2084 with asparagine.
Molecular consequence: missense variant.
Genome position (GRCh38, 1-based): chr12:40,346,893, G>A. VCF-style: chr12-40346893-G-A. GRCh37 (hg19) VCF-style: chr12-40740695-G-A.
Other names: short protein forms D2084N.
Identifiers: ClinVar variation 1752447 (VCV001752447.3), dbSNP rs752357114, ClinGen allele CA6514631.

ClinVar aggregate classification (germline): Uncertain significance. Review status: criteria provided, multiple submitters, no conflicts (2 of 4 stars). 2 submissions from 2 submitters: Uncertain significance (2). Last evaluated 2025-07-26.

Conditions:
Inborn genetic diseases. Identifiers: MedGen C0950123, MeSH D030342.

Allele frequency attached by ClinVar (database versions not stated): gnomAD exomes below 0.00001; ExAC 0.00001; gnomAD 0.00001.
gnomAD v4.1: 3 of 1,612,222 alleles (0.00019%); highest among the groups gnomAD compares: Non-Finnish European, 0.00025%; no homozygotes.

Submissions (2):

GeneDx
Classification: Uncertain significance. Last evaluated: 2025-07-26. Review status: criteria provided, single submitter. Criteria: GeneDx Variant Classification Process June 2021. Collection method: clinical testing. Allele origin: germline. Affected: yes.
Comment: Not observed at significant frequency in large population cohorts (gnomAD); In silico analysis suggests that this missense variant does not alter protein structure/function; Has not been previously published as pathogenic or benign to our knowledge

Ambry Genetics
Classification: Uncertain significance for Inborn genetic diseases. Last evaluated: 2023-10-20. Review status: criteria provided, single submitter. Criteria: Ambry Variant Classification Scheme 2023. Collection method: clinical testing. Allele origin: germline.
Comment: The p.D2084N variant (also known as c.6250G>A), located in coding exon 42 of the LRRK2 gene, results from a G to A substitution at nucleotide position 6250. The aspartic acid at codon 2084 is replaced by asparagine, an amino acid with highly similar properties. This amino acid position is conserved. In addition, this alteration is predicted to be tolerated by in silico analysis. Since supporting evidence is limited at this time, the clinical significance of this alteration remains unclear.